The following is an entry in ClinVar:

ClinVar aggregate classification (germline): Benign. Review status: criteria provided, multiple submitters, no conflicts (2 of 4 stars). 3 submissions from 3 submitters: Benign (2). 1 of the submissions does not count toward it. Last evaluated 2018-07-23.

Conditions:
PLXNB1-related disorder. Also called: PLXNB1-related condition.

Allele frequency attached by ClinVar (database versions not stated): 1000 Genomes Project 0.02077; 1000 Genomes Project 30x 0.02311; TOPMed 0.02423; gnomAD 0.02299 and 0.02156; ExAC 0.00843; gnomAD exomes 0.00640; ESP Exome Variant Server 0.02231.
gnomAD v4.1: 7,623 of 1,605,650 alleles (0.47%); highest among the groups gnomAD compares: African/African-American, 7.1%; 203 homozygotes.

Submissions (3):

Labcorp Genetics (formerly Invitae), Labcorp
Classification: Benign. Last evaluated: 2018-07-23. Review status: criteria provided, single submitter. Criteria: Invitae Variant Classification Sherloc (09022015). Collection method: clinical testing. Allele origin: germline.

Breakthrough Genomics
Classification: Benign. Review status: criteria provided, single submitter. Criteria: ACMG Guidelines, 2015. Collection method: not provided. Allele origin: germline. Inheritance: Unknown mechanism. Affected: yes.

PreventionGenetics, part of Exact Sciences
Classification: Benign for PLXNB1-related condition. Last evaluated: 2019-08-09. Review status: no assertion criteria provided. Collection method: clinical testing. Allele origin: germline. Not counted in ClinVar's aggregate classification.
Comment: This variant is classified as benign based on ACMG/AMP sequence variant interpretation guidelines (Richards et al. 2015 PMID: 25741868, with internal and published modifications).

NM_001130082.3(PLXNB1):c.2165C>T (p.Ser722Leu)

Gene: PLXNB1 (plexin B1; minus strand). Cytogenetic location: 3p21.31.
Variant type: single nucleotide variant.
Coding change: c.2165C>T on transcript NM_001130082.3 (MANE Select); coding-DNA position 2165, C replaced by T.
Protein change: p.Ser722Leu; replaces serine 722 with leucine.
Molecular consequence: missense variant.
Genome position (GRCh38, 1-based): chr3:48,420,121, G>A on the plus strand (C>T on the coding strand, the complement: PLXNB1 is on the minus strand). VCF-style: chr3-48420121-G-A. GRCh37 (hg19) VCF-style: chr3-48461530-G-A.
Other names: c.2165C>T, p.Ser722Leu (NM_002673.6); short protein forms S722L.
Identifiers: ClinVar variation 783376 (VCV000783376.6), dbSNP rs75665465, ClinGen allele CA2374883.